The following is an entry in ClinVar:

NM_004817.4(TJP2):c.239+7del

Gene: TJP2 (tight junction protein 2; plus strand). Cytogenetic location: 9q21.11.
Variant type: Deletion.
Coding change: c.239+7del on transcript NM_004817.4 (MANE Select); 7 bases into the intron after coding-DNA position 239, one base deleted (G; older notation c.239+7delG).
Molecular consequence: intron variant.
Genome position (GRCh38, 1-based): chr9:69,216,470, G deleted. VCF-style (leftmost placement, unchanged base first): chr9-69216469-TG-T. GRCh37 (hg19) VCF-style: chr9-71831385-TG-T.
Other names: c.170+7del (NM_001170414.2, NM_001369870.1, NM_001369871.1); c.239+7del (NM_201629.3, NM_001369872.1, NM_001369873.1); c.251+7del (NM_001170415.1, NM_001369875.1, NM_001369874.1); c.332+7del (NM_001170416.2).
Identifiers: ClinVar variation 4980752 (VCV004980752.1).

ClinVar aggregate classification (germline): Likely benign (1 of 4 stars; one submission).

Conditions:
TJP2-related disorder. Also called: TJP2-related condition.

Submission:

PreventionGenetics, part of Exact Sciences
Classification: Likely benign for TJP2-related condition. Last evaluated: 2025-03-13. Review status: criteria provided, single submitter. Criteria: ACMG Guidelines, 2015. Collection method: clinical testing. Allele origin: germline.
Comment: This variant is classified as likely benign based on ACMG/AMP sequence variant interpretation guidelines (Richards et al. 2015 PMID: 25741868, with internal and published modifications).